The following is an entry in ClinVar:

ClinVar aggregate classification (germline): Likely benign. Review status: criteria provided, multiple submitters, no conflicts (2 of 4 stars). 2 submissions from 2 submitters: Likely benign (2). Last evaluated 2025-02-01.

Conditions:
PHGDH deficiency. Identifiers: Orphanet 79351, MedGen C1866174, MONDO:0011152, OMIM 601815.

Allele frequency attached by ClinVar (database versions not stated): TOPMed below 0.00001; gnomAD 0.00001; gnomAD exomes 0.00001.
gnomAD v4.1: 13 of 1,614,060 alleles (0.00081%); highest among the groups gnomAD compares: Non-Finnish European, 0.001%; no homozygotes.

Submissions (2):

CeGaT Center for Human Genetics Tuebingen
Classification: Likely benign. Last evaluated: 2025-02-01. Review status: criteria provided, single submitter. Criteria: CeGaT Center For Human Genetics Tuebingen Variant Classification Criteria Version 2. Collection method: clinical testing. Allele origin: germline. Affected: yes. Observed: 1 variant allele.
Comment: PHGDH: BP4, BP7

Labcorp Genetics (formerly Invitae), Labcorp
Classification: Likely benign for PHGDH deficiency. Last evaluated: 2023-10-06. Review status: criteria provided, single submitter. Criteria: Invitae Variant Classification Sherloc (09022015). Collection method: clinical testing. Allele origin: germline.

NM_006623.4(PHGDH):c.225G>A (p.Arg75=)

Gene: PHGDH (phosphoglycerate dehydrogenase; plus strand). Cytogenetic location: 1p12.
Variant type: single nucleotide variant.
Coding change: c.225G>A on transcript NM_006623.4 (MANE Select); coding-DNA position 225, G replaced by A.
Protein change: p.Arg75=; no amino-acid change (arginine 75 retained).
Molecular consequence: synonymous variant.
Genome position (GRCh38, 1-based): chr1:119,721,256, G>A. VCF-style: chr1-119721256-G-A. GRCh37 (hg19) VCF-style: chr1-120263879-G-A.
Identifiers: ClinVar variation 1101421 (VCV001101421.22), dbSNP rs1441422663, ClinGen allele CA420012019.
Genomic context (GRCh38, chr1:119,721,256, plus strand): 5'-TGCCACCAAGGTGACCGCTGATGTCATCAACGCAGCTGAGAAACTCCAGGTGGTGGGCAG[G>A]GCTGGCACAGGTGTGGACAATGTGGATCTGGAGGCCGCAACAAGGAAGGGCATCTTGGTT-3'
Protein context (NP_006614.2, residues 65-85): NAAEKLQVVG[Arg75=]AGTGVDNVDL